The following is an entry in ClinVar:

NM_016169.4(SUFU):c.154C>T (p.Leu52Phe)

Gene: SUFU (SUFU negative regulator of hedgehog signaling; plus strand). Cytogenetic location: 10q24.32.
Variant type: single nucleotide variant.
Coding change: c.154C>T on transcript NM_016169.4 (MANE Select); coding-DNA position 154, C replaced by T.
Protein change: p.Leu52Phe; replaces leucine 52 with phenylalanine.
Molecular consequence: missense variant.
Genome position (GRCh38, 1-based): chr10:102,504,306, C>T. VCF-style: chr10-102504306-C-T. GRCh37 (hg19) VCF-style: chr10-104264063-C-T.
Other names: c.154C>T, p.Leu52Phe (NM_001178133.2); short protein forms L52F.
Identifiers: ClinVar variation 3372677 (VCV003372677.1).
Genomic context (GRCh38, chr10:102,504,306, plus strand): 5'-CCGGGACTGCACGCCATCTACGGAGAGTGCCGCCGCCTTTACCCTGACCAGCCGAACCCG[C>T]TCCAGGTTACCGCTATCGTCAAGTACTGGTATGCTCTGGGCCGCGGGGAGACGGACAGGC-3'
Protein context (NP_057253.2, residues 42-62): RRLYPDQPNP[Leu52Phe]QVTAIVKYWL

ClinVar aggregate classification (germline): Uncertain significance (1 of 4 stars; one submission).

gnomAD v4.1: 2 of 1,614,170 alleles (0.00012%); no homozygotes.

Submission:

GeneDx
Classification: Uncertain significance. Last evaluated: 2024-04-23. Review status: criteria provided, single submitter. Criteria: GeneDx Variant Classification Process June 2021. Collection method: clinical testing. Allele origin: germline. Affected: yes.
Comment: Not observed at significant frequency in large population cohorts (gnomAD); In silico analysis supports that this missense variant has a deleterious effect on protein structure/function; Has not been previously published as pathogenic or benign to our knowledge; This variant is associated with the following publications: (PMID: 24311597)